The following is an entry in ClinVar:

NM_001792.5(CDH2):c.820G>A (p.Gly274Arg)

Gene: CDH2 (cadherin 2; minus strand). Cytogenetic location: 18q12.1.
Variant type: single nucleotide variant.
Coding change: c.820G>A on transcript NM_001792.5 (MANE Select); coding-DNA position 820, G replaced by A.
Protein change: p.Gly274Arg; replaces glycine 274 with arginine.
Molecular consequence: missense variant.
Genome position (GRCh38, 1-based): chr18:28,005,876, C>T on the plus strand (G>A on the coding strand, the complement: CDH2 is on the minus strand). VCF-style: chr18-28005876-C-T. GRCh37 (hg19) VCF-style: chr18-25585840-C-T.
Other names: c.727G>A, p.Gly243Arg (NM_001308176.2); short protein forms G243R, G274R.
Identifiers: ClinVar variation 2624704 (VCV002624704.5), dbSNP rs2510810868, ClinGen allele CA402243100.

ClinVar aggregate classification (germline): Uncertain significance. Review status: criteria provided, multiple submitters, no conflicts (2 of 4 stars). 2 submissions from 2 submitters: Uncertain significance (2). Last evaluated 2023-07-13.

Conditions:
Inborn genetic diseases. Identifiers: MedGen C0950123, MeSH D030342.

Allele frequency attached by ClinVar (database versions not stated): gnomAD exomes below 0.00001.
gnomAD v4.1: 3 of 1,613,484 alleles (0.00019%); highest among the groups gnomAD compares: Non-Finnish European, 0.00025%; no homozygotes.

Submissions (2):

Ambry Genetics
Classification: Uncertain significance for Inborn genetic diseases. Last evaluated: 2023-07-13. Review status: criteria provided, single submitter. Criteria: Ambry Variant Classification Scheme 2023. Collection method: clinical testing. Allele origin: germline.
Comment: The p.G274R variant (also known as c.820G>A), located in coding exon 6 of the CDH2 gene, results from a G to A substitution at nucleotide position 820. The glycine at codon 274 is replaced by arginine, an amino acid with dissimilar properties. This amino acid position is conserved. In addition, this alteration is predicted to be deleterious by in silico analysis. Since supporting evidence is limited at this time, the clinical significance of this alteration remains unclear.

Labcorp Genetics (formerly Invitae), Labcorp
Classification: Uncertain significance. Last evaluated: 2023-01-30. Review status: criteria provided, single submitter. Criteria: Invitae Variant Classification Sherloc (09022015). Collection method: clinical testing. Allele origin: germline.
Comment: In summary, the available evidence is currently insufficient to determine the role of this variant in disease. Therefore, it has been classified as a Variant of Uncertain Significance. Algorithms developed to predict the effect of missense changes on protein structure and function are either unavailable or do not agree on the potential impact of this missense change (SIFT: "Tolerated"; PolyPhen-2: "Probably Damaging"; Align-GVGD: "Class C0"). This variant has not been reported in the literature in individuals affected with CDH2-related conditions. This variant is not present in population databases (gnomAD no frequency). This sequence change replaces glycine, which is neutral and non-polar, with arginine, which is basic and polar, at codon 274 of the CDH2 protein (p.Gly274Arg).